The following is an entry in ClinVar:

ClinVar aggregate classification (germline): Benign. Review status: reviewed by expert panel (3 of 4 stars). 2 submissions from 2 submitters: Benign (1). 1 of the submissions does not count toward it. Last evaluated 2025-01-15.

Conditions:
Hereditary thrombocytopenia and hematologic cancer predisposition syndrome. Identifiers: Orphanet 71290, MedGen CN281654, MONDO:0011071.

Submissions (2):

ClinGen Myeloid Malignancy Variant Curation Expert Panel
Classification: Benign for Hereditary thrombocytopenia and hematologic cancer predisposition syndrome. Last evaluated: 2025-01-15. Review status: reviewed by expert panel. Criteria: ClinGen MyeloMalig ACMG Specifications v2. Collection method: curation. Allele origin: germline. Inheritance: Autosomal dominant inheritance.
Comment: NM_001754.5(RUNX1):c.98-1410dup is an intronic variant with a MAF of 0.09615 (9.615%, 30/312, 30 alleles) in the Middle Eastern subpopulation of the gnomAD 3.1.2 cohort is ≥ 0.0015 (0.15%) (BA1). This variant is detected in a homozygous state 25 times in population database gnomAD 3.1.2. (BP2). This intronic variant has a SpliceAI score ≤ 0.20 (0.03) (BP4). This variant has a SpliceAI score ≤ 0.20 (0.03) and evolutionary conservation prediction algorithms predict the site as not being conserved (PhyloP score ≤ 2.0 (-0.53) (BP7). In summary, this variant meets criteria to be classified as benign. ACMG/AMP criteria applied, as specified by the Myeloid Malignancy Variant Curation Expert Panel for RUNX1: BA1, BP2, BP4, BP7.

GeneDx
Classification: Likely benign. Last evaluated: 2019-08-15. Review status: criteria provided, single submitter. Criteria: GeneDx Variant Classification Process June 2021. Collection method: clinical testing. Allele origin: germline. Affected: yes. Not counted in ClinVar's aggregate classification.

NM_001754.5(RUNX1):c.98-1418dup

Gene: RUNX1 (RUNX family transcription factor 1; minus strand). Cytogenetic location: 21q22.12.
Variant type: Duplication.
Coding change: c.98-1418dup on transcript NM_001754.5 (MANE Select); 1418 bases into the intron before coding-DNA position 98, one base duplicated (T; older notation c.98-1418dupT).
Molecular consequence: intron variant. On other transcripts: 5 prime UTR variant (2).
Genome position (GRCh38, 1-based): chr21:34,888,506, A duplicated on the plus strand (T on the coding strand, the reverse complement: RUNX1 is on the minus strand); the first of 9 consecutive A bases (chr21:34,888,506-34,888,514); duplicating any one gives the same sequence. VCF-style (leftmost placement, unchanged base first): chr21-34888505-C-CA. GRCh37 (hg19) VCF-style: chr21-36260802-C-CA.
Other names: c.-1394dup (NM_001001890.3, NM_001122607.2).
Identifiers: ClinVar variation 1186511 (VCV001186511.3), dbSNP rs377766157, ClinGen allele CA320644105.
Genomic context (GRCh38, chr21:34,888,505, plus strand): 5'-AAGAAGTTGAAAACATCCAGCCAAGAAGCCAGTTAATTCAAAAGGAAGAAAGGGGAAAAA[C>CA]AAAAAAAAACAACAAAAAAAGGAAGGTCCAACGCAGGCCAAGGAGAAGCAGCAGAGGTTG-3'